The following is an entry in ClinVar:

NM_002528.7(NTHL1):c.457G>A (p.Val153Met)

Gene: NTHL1 (nth like DNA glycosylase 1; minus strand). Cytogenetic location: 16p13.3.
Variant type: single nucleotide variant.
Coding change: c.457G>A on transcript NM_002528.7 (MANE Select); coding-DNA position 457, G replaced by A.
Protein change: p.Val153Met; replaces valine 153 with methionine.
Molecular consequence: missense variant. On other transcripts: intron variant (1).
Genome position (GRCh38, 1-based): chr16:2,044,698, C>T on the plus strand (G>A on the coding strand, the complement: NTHL1 is on the minus strand). VCF-style: chr16-2044698-C-T. GRCh37 (hg19) VCF-style: chr16-2094699-C-T.
Other names: c.127G>A, p.Val43Met (NM_001318194.2); c.355-972G>A (NM_001318193.2); c.481G>A (NM_002528.5); short protein forms V153M, V43M.
Identifiers: ClinVar variation 1415438 (VCV001415438.7), dbSNP rs781629683, ClinGen allele CA7828249.

ClinVar aggregate classification (germline): Uncertain significance. Review status: criteria provided, multiple submitters, no conflicts (2 of 4 stars). 2 submissions from 2 submitters: Uncertain significance (2). Last evaluated 2025-06-03.

Conditions:
Hereditary cancer-predisposing syndrome. Also called: Hereditary Cancer Syndrome; Tumor predisposition; Hereditary neoplastic syndrome; Neoplastic Syndromes, Hereditary. Identifiers: Orphanet 140162, MedGen C0027672, MeSH D009386, MONDO:0015356.

Allele frequency attached by ClinVar (database versions not stated): gnomAD exomes below 0.00001; ExAC 0.00001.

Submissions (2):

Labcorp Genetics (formerly Invitae), Labcorp
Classification: Uncertain significance. Last evaluated: 2025-06-03. Review status: criteria provided, single submitter. Criteria: Invitae Variant Classification Sherloc (09022015). Collection method: clinical testing. Allele origin: germline.
Comment: This sequence change replaces valine, which is neutral and non-polar, with methionine, which is neutral and non-polar, at codon 161 of the NTHL1 protein (p.Val161Met). The frequency data for this variant in the population databases is considered unreliable, as metrics indicate poor data quality at this position in the gnomAD database. This variant has not been reported in the literature in individuals affected with NTHL1-related conditions. ClinVar contains an entry for this variant (Variation ID: 1415438). An algorithm developed to predict the effect of missense changes on protein structure and function (PolyPhen-2) suggests that this variant is likely to be disruptive. In summary, the available evidence is currently insufficient to determine the role of this variant in disease. Therefore, it has been classified as a Variant of Uncertain Significance.

Ambry Genetics
Classification: Uncertain significance for Hereditary cancer-predisposing syndrome. Last evaluated: 2024-07-24. Review status: criteria provided, single submitter. Criteria: Ambry Variant Classification Scheme 2023. Collection method: clinical testing. Allele origin: germline.
Comment: The p.V161M variant (also known as c.481G>A), located in coding exon 3 of the NTHL1 gene, results from a G to A substitution at nucleotide position 481. The valine at codon 161 is replaced by methionine, an amino acid with highly similar properties. This amino acid position is conserved. In addition, the in silico prediction for this alteration is inconclusive. Based on the available evidence, the clinical significance of this variant remains unclear.